The following is an entry in ClinVar:

NM_018489.3(ASH1L):c.3558C>A (p.Ser1186=)

Gene: ASH1L (ASH1 like histone lysine methyltransferase; minus strand). Cytogenetic location: 1q22.
Variant type: single nucleotide variant.
Coding change: c.3558C>A on transcript NM_018489.3 (MANE Select); coding-DNA position 3558, C replaced by A.
Protein change: p.Ser1186=; no amino-acid change (serine 1186 retained).
Molecular consequence: synonymous variant.
Genome position (GRCh38, 1-based): chr1:155,479,312, G>T on the plus strand (C>A on the coding strand, the complement: ASH1L is on the minus strand). VCF-style: chr1-155479312-G-T. GRCh37 (hg19) VCF-style: chr1-155449103-G-T.
Other names: c.3558C>A, p.Ser1186= (NM_001366177.2).
Identifiers: ClinVar variation 4085660 (VCV004085660.8).

ClinVar aggregate classification (germline): Likely benign (1 of 4 stars; one submission).

gnomAD v4.1: 10 of 1,614,106 alleles (0.00062%); highest among the groups gnomAD compares: South Asian, 0.011%; no homozygotes.

Submission:

CeGaT Center for Human Genetics Tuebingen
Classification: Likely benign. Last evaluated: 2025-08-01. Review status: criteria provided, single submitter. Criteria: CeGaT Center For Human Genetics Tuebingen Variant Classification Criteria Version 2. Collection method: clinical testing. Allele origin: germline. Affected: yes. Observed: 1 variant allele.
Comment: ASH1L: BP4, BP7